The following is an entry in ClinVar:

NM_006079.5(CITED2):c.581GCGGCA[2] (p.196SG[1])

Gene: CITED2 (Cbp/p300 interacting transactivator with ED-rich tail 2; minus strand). Cytogenetic location: 6q24.1.
Variant type: Microsatellite.
Coding change: c.581GCGGCA[2] on transcript NM_006079.5 (MANE Select); two copies in a row of the 6-base unit GCGGCA starting at c.581; the reference has three copies in a row; one copy, 6 bases deleted.
Protein change: p.196SG[1].
Molecular consequence: inframe deletion.
Genome position (GRCh38, 1-based): chr6:139,373,347-139,373,352, TGCCGC deleted on the plus strand (GCGGCA on the coding strand, the reverse complement: CITED2 is on the minus strand); deleting any 6 consecutive bases within chr6:139,373,347-139,373,364 gives the same sequence; the position shown is the placement nearest the transcript's 3' end. VCF-style (leftmost placement, unchanged base first): chr6-139373346-TTGCCGC-T. GRCh37 (hg19) VCF-style: chr6-139694483-TTGCCGC-T.
Other names: c.581GCGGCA[2], p.196SG[1] (NM_001168388.3); c.596GCGGCA[2], p.201SG[1] (NM_001168389.3).
Identifiers: ClinVar variation 6723 (VCV000006723.13), dbSNP rs531316452, ClinGen allele CA4025560.

ClinVar aggregate classification (germline): Likely benign. Review status: criteria provided, multiple submitters, no conflicts (2 of 4 stars). 4 submissions from 4 submitters: Likely benign (3). 1 of the submissions does not count toward it. Last evaluated 2025-08-01.

Conditions:
Ventricular septal defect 2 (VSD2). Identifiers: MedGen C3280783, MONDO:0013748, OMIM 614431.
Atrial septal defect 8 (ASD8). Identifiers: Orphanet 1478, MedGen C3280790, MONDO:0013750, OMIM 614433.

Submissions (4):

CeGaT Center for Human Genetics Tuebingen
Classification: Likely benign. Last evaluated: 2025-08-01. Review status: criteria provided, single submitter. Criteria: CeGaT Center For Human Genetics Tuebingen Variant Classification Criteria Version 2. Collection method: clinical testing. Allele origin: germline. Affected: yes. Observed: 1 variant allele.
Comment: CITED2: PM4, BS1

Department of Pathology and Laboratory Medicine, Sinai Health System
Classification: Likely benign for ventricular septal defect 2. Last evaluated: 2023-01-18. Review status: criteria provided, single submitter. Criteria: ACMG Guidelines, 2015. Collection method: research. Allele origin: germline.

Labcorp Genetics (formerly Invitae), Labcorp
Classification: Likely benign. Last evaluated: 2019-12-31. Review status: criteria provided, single submitter. Criteria: Invitae Variant Classification Sherloc (09022015). Collection method: clinical testing. Allele origin: germline.

OMIM
Classification: Pathogenic for ATRIAL SEPTAL DEFECT 8. Last evaluated: 2005-12-01. Review status: no assertion criteria provided. Collection method: literature only. Allele origin: germline. Not counted in ClinVar's aggregate classification.

Literature cited by the submitters: PubMed 16287139 (cited by OMIM).